The following is an entry in ClinVar:

NM_001145809.2(MYH14):c.4966-12C>T

Gene: MYH14 (myosin heavy chain 14; plus strand). Cytogenetic location: 19q13.33.
Variant type: single nucleotide variant.
Coding change: c.4966-12C>T on transcript NM_001145809.2 (MANE Select); 12 bases into the intron before coding-DNA position 4966, C replaced by T.
Molecular consequence: intron variant.
Genome position (GRCh38, 1-based): chr19:50,290,875, C>T. VCF-style: chr19-50290875-C-T. GRCh37 (hg19) VCF-style: chr19-50794132-C-T.
Other names: c.4867-12C>T (NM_001077186.2); c.4843-12C>T (NM_024729.4).
Identifiers: ClinVar variation 1707721 (VCV001707721.2), dbSNP rs777089802, ClinGen allele CA633682752.
Genomic context (GRCh38, chr19:50,290,875, plus strand): 5'-CCATGTCCCTAGCACACAGAGGGAGGCTGGGCTTCCTGTGTCTGACCCGGTCCCTCCTGA[C>T]CTCCTCTCCAGCTGAGAGATGCAGAGGTGGAGCGGGATGAGGAGCGGAAGCAGCGCACTC-3'

ClinVar aggregate classification (germline): Uncertain significance (1 of 4 stars; one submission).

gnomAD v4.1: 4 of 1,551,828 alleles (0.00026%); highest among the groups gnomAD compares: Admixed American, 0.0078%; no homozygotes.

Submission:

GeneDx
Classification: Uncertain significance. Last evaluated: 2022-03-29. Review status: criteria provided, single submitter. Criteria: GeneDx Variant Classification Process June 2021. Collection method: clinical testing. Allele origin: germline. Affected: yes.
Comment: Not observed at significant frequency in large population cohorts (gnomAD); In silico analysis supports that this variant does not alter splicing; Has not been previously published as pathogenic or benign to our knowledge